The following is an entry in ClinVar:

ClinVar aggregate classification (germline): Likely benign. Review status: criteria provided, multiple submitters, no conflicts (2 of 4 stars). 3 submissions from 3 submitters: Likely benign (3). Last evaluated 2026-06-01.

Conditions:
CTNNA3-related disorder. Also called: CTNNA3-related condition.
Arrhythmogenic right ventricular dysplasia 13. Also called: ARRHYTHMOGENIC RIGHT VENTRICULAR CARDIOMYOPATHY 13; Arrhythmogenic right ventricular dysplasia, familial, 13. Identifiers: MedGen C3810138, MONDO:0000908, OMIM 615616.

Allele frequency attached by ClinVar (database versions not stated): ExAC 0.00002; gnomAD exomes 0.00002; TOPMed 0.00003.
gnomAD v4.1: 52 of 1,614,018 alleles (0.0032%); highest among the groups gnomAD compares: Non-Finnish European, 0.004%; no homozygotes.

Submissions (3):

PreventionGenetics, part of Exact Sciences
Classification: Likely benign for CTNNA3-related condition. Last evaluated: 2026-06-01. Review status: criteria provided, single submitter. Criteria: ACMG Guidelines, 2015. Collection method: clinical testing. Allele origin: germline.
Comment: This variant is classified as likely benign based on ACMG/AMP sequence variant interpretation guidelines (Richards et al. 2015 PMID: 25741868, with internal and published modifications).

Labcorp Genetics (formerly Invitae), Labcorp
Classification: Likely benign for Arrhythmogenic right ventricular dysplasia 13. Last evaluated: 2023-08-30. Review status: criteria provided, single submitter. Criteria: Invitae Variant Classification Sherloc (09022015). Collection method: clinical testing. Allele origin: germline.

Ambry Genetics
Classification: Likely benign. Last evaluated: 2020-05-11. Review status: criteria provided, single submitter. Criteria: Ambry Variant Classification Scheme 2023. Collection method: clinical testing. Allele origin: germline.

NM_013266.4(CTNNA3):c.1695A>G (p.Glu565=)

Gene: CTNNA3 (catenin alpha 3; minus strand). Cytogenetic location: 10q21.3.
Variant type: single nucleotide variant.
Coding change: c.1695A>G on transcript NM_013266.4 (MANE Select); coding-DNA position 1695, A replaced by G.
Protein change: p.Glu565=; no amino-acid change (glutamic acid 565 retained).
Molecular consequence: synonymous variant.
Genome position (GRCh38, 1-based): chr10:66,379,189, T>C on the plus strand (A>G on the coding strand, the complement: CTNNA3 is on the minus strand). VCF-style: chr10-66379189-T-C. GRCh37 (hg19) VCF-style: chr10-68138947-T-C.
Other names: c.1695A>G (NM_013266.3); c.1695A>G, p.Glu565= (NM_001127384.3).
Identifiers: ClinVar variation 1097283 (VCV001097283.12), dbSNP rs755301482, ClinGen allele CA5519854.